The following is an entry in ClinVar:

NM_012079.6(DGAT1):c.752-2A>G

Gene: DGAT1 (diacylglycerol O-acyltransferase 1; minus strand). Cytogenetic location: 8q24.3.
Variant type: single nucleotide variant.
Coding change: c.752-2A>G on transcript NM_012079.6 (MANE Select); the canonical splice acceptor site of the intron before coding-DNA position 752, A replaced by G.
Molecular consequence: splice acceptor variant.
Genome position (GRCh38, 1-based): chr8:144,318,019, T>C on the plus strand (A>G on the coding strand, the complement: DGAT1 is on the minus strand). VCF-style: chr8-144318019-T-C. GRCh37 (hg19) VCF-style: chr8-145541682-T-C.
Identifiers: ClinVar variation 2853913 (VCV002853913.3), dbSNP rs1554847482, ClinGen allele CA372611928.

ClinVar aggregate classification (germline): Likely pathogenic (1 of 4 stars; one submission).

Allele frequency attached by ClinVar (database versions not stated): gnomAD exomes below 0.00001.

Submission:

Labcorp Genetics (formerly Invitae), Labcorp
Classification: Likely pathogenic. Last evaluated: 2023-04-09. Review status: criteria provided, single submitter. Criteria: Invitae Variant Classification Sherloc (09022015). Collection method: clinical testing. Allele origin: germline.
Comment: In summary, the currently available evidence indicates that the variant is pathogenic, but additional data are needed to prove that conclusively. Therefore, this variant has been classified as Likely Pathogenic. Algorithms developed to predict the effect of sequence changes on RNA splicing suggest that this variant may disrupt the consensus splice site. This variant has not been reported in the literature in individuals affected with DGAT1-related conditions. This variant is present in population databases (no rsID available, gnomAD 0.001%). This sequence change affects an acceptor splice site in intron 8 of the DGAT1 gene. It is expected to disrupt RNA splicing. Variants that disrupt the donor or acceptor splice site typically lead to a loss of protein function (PMID: 16199547), and loss-of-function variants in DGAT1 are known to be pathogenic (PMID: 29604290).

Literature cited by the submitters: PubMed 16199547; PubMed 29604290.